The following is an entry in ClinVar:

ClinVar aggregate classification (germline): Likely benign. Review status: criteria provided, multiple submitters, no conflicts (2 of 4 stars). 5 submissions from 5 submitters: Likely benign (4). 1 of the submissions does not count toward it. Last evaluated 2025-09-10.

Conditions:
TWNK-related disorder. Also called: TWNK-related condition.

Allele frequency attached by ClinVar (database versions not stated): ExAC 0.00002; gnomAD exomes 0.00002; TOPMed 0.00003; gnomAD 0.00005; ESP Exome Variant Server 0.00008.

Submissions (5):

Labcorp Genetics (formerly Invitae), Labcorp
Classification: Likely benign. Last evaluated: 2025-09-10. Review status: criteria provided, single submitter. Criteria: Invitae Variant Classification Sherloc (09022015). Collection method: clinical testing. Allele origin: germline.

Blueprint Genetics
Classification: Likely benign. Last evaluated: 2024-09-24. Review status: criteria provided, single submitter. Criteria: ACMG Guidelines, 2015. Collection method: clinical testing. Allele origin: germline.

CeGaT Center for Human Genetics Tuebingen
Classification: Likely benign. Last evaluated: 2022-03-01. Review status: criteria provided, single submitter. Criteria: CeGaT Center For Human Genetics Tuebingen Variant Classification Criteria Version 2. Collection method: clinical testing. Allele origin: germline. Affected: yes. Observed: 1 variant allele.
Comment: TWNK: BP4, BP7

GeneDx
Classification: Likely benign. Last evaluated: 2015-10-08. Review status: criteria provided, single submitter. Criteria: GeneDx Variant Classification (06012015). Collection method: clinical testing. Allele origin: germline. Affected: yes.
Comment: This variant is considered likely benign or benign based on one or more of the following criteria: it is a conservative change, it occurs at a poorly conserved position in the protein, it is predicted to be benign by multiple in silico algorithms, and/or has population frequency not consistent with disease.

PreventionGenetics, part of Exact Sciences
Classification: Likely benign for TWNK-related condition. Last evaluated: 2019-06-17. Review status: no assertion criteria provided. Collection method: clinical testing. Allele origin: germline. Not counted in ClinVar's aggregate classification.
Comment: This variant is classified as likely benign based on ACMG/AMP sequence variant interpretation guidelines (Richards et al. 2015 PMID: 25741868, with internal and published modifications).

NM_021830.5(TWNK):c.1713G>A (p.Ala571=)

Gene: TWNK (twinkle mtDNA helicase; plus strand). Cytogenetic location: 10q24.31.
Variant type: single nucleotide variant.
Coding change: c.1713G>A on transcript NM_021830.5 (MANE Select); coding-DNA position 1713, G replaced by A.
Protein change: p.Ala571=; no amino-acid change (alanine 571 retained).
Molecular consequence: synonymous variant. On other transcripts: non-coding transcript variant (5).
Genome position (GRCh38, 1-based): chr10:100,990,989, G>A. VCF-style: chr10-100990989-G-A. GRCh37 (hg19) VCF-style: chr10-102750746-G-A.
Other names: c.1713G>A, p.Ala571= (NM_001163812.2); c.351G>A, p.Ala117= (NM_001163813.2, NM_001163814.2, NM_001368275.1).
Identifiers: ClinVar variation 380964 (VCV000380964.31), dbSNP rs377742767, ClinGen allele CA5653313.